The following is an entry in ClinVar:

ClinVar aggregate classification (germline): Uncertain significance (1 of 4 stars; one submission).

gnomAD v4.1: 6 of 1,608,272 alleles (0.00037%); highest among the groups gnomAD compares: African/African-American, 0.0013%; no homozygotes.

Submission:

Labcorp Genetics (formerly Invitae), Labcorp
Classification: Uncertain significance. Last evaluated: 2024-03-19. Review status: criteria provided, single submitter. Criteria: Invitae Variant Classification Sherloc (09022015). Collection method: clinical testing. Allele origin: germline.
Comment: This sequence change affects codon 614 of the OCA2 mRNA. It is a 'silent' change, meaning that it does not change the encoded amino acid sequence of the OCA2 protein. This variant also falls at the last nucleotide of exon 17, which is part of the consensus splice site for this exon. This variant is present in population databases (no rsID available, gnomAD 0.002%). This variant has been observed in individual(s) with clinical features of ocular albinism (PMID: 27734839; Invitae). Variants that disrupt the consensus splice site are a relatively common cause of aberrant splicing (PMID: 17576681, 9536098). Algorithms developed to predict the effect of sequence changes on RNA splicing suggest that this variant may disrupt the consensus splice site. In summary, the available evidence is currently insufficient to determine the role of this variant in disease. Therefore, it has been classified as a Variant of Uncertain Significance.

Literature cited by the submitters: PubMed 27734839; PubMed 17576681; PubMed 9536098.

NM_000275.3(OCA2):c.1842G>A (p.Lys614=)

Gene: OCA2 (OCA2 melanosomal transmembrane protein; minus strand). Cytogenetic location: 15q13.1.
Variant type: single nucleotide variant.
Coding change: c.1842G>A on transcript NM_000275.3 (MANE Select); coding-DNA position 1842, G replaced by A.
Protein change: p.Lys614=; no amino-acid change (lysine 614 retained).
Molecular consequence: synonymous variant.
Genome position (GRCh38, 1-based): chr15:27,955,158, C>T on the plus strand (G>A on the coding strand, the complement: OCA2 is on the minus strand). VCF-style: chr15-27955158-C-T. GRCh37 (hg19) VCF-style: chr15-28200304-C-T.
Other names: c.1770G>A, p.Lys590= (NM_001300984.2).
Identifiers: ClinVar variation 3721629 (VCV003721629.2).
Genomic context (GRCh38, chr15:27,955,158, plus strand): 5'-TCACTCACTCTCTTCTTGGAGAAGTGAATCAGAAATCCCTGAGGAAAGAAAGCTGGGTAC[C>T]TTTTTTTGGAGTTCTTGGATATTGGTCTCCCAATTTTTGTCCTCCTGTGAGATCTGTCTA-3'
Protein context (NP_000266.2, residues 604-624): WETNIQELQK[Lys614=]HRISDGILLA